The following is an entry in ClinVar:

NM_001851.6(COL9A1):c.2399C>T (p.Pro800Leu)

Gene: COL9A1 (collagen type IX alpha 1 chain; minus strand). Cytogenetic location: 6q13.
Variant type: single nucleotide variant.
Coding change: c.2399C>T on transcript NM_001851.6 (MANE Select); coding-DNA position 2399, C replaced by T.
Protein change: p.Pro800Leu; replaces proline 800 with leucine.
Molecular consequence: missense variant. On other transcripts: non-coding transcript variant (1).
Genome position (GRCh38, 1-based): chr6:70,232,687, G>A on the plus strand (C>T on the coding strand, the complement: COL9A1 is on the minus strand). VCF-style: chr6-70232687-G-A. GRCh37 (hg19) VCF-style: chr6-70942390-G-A.
Other names: c.1700C>T, p.Pro567Leu (NM_001377289.1); c.1523C>T, p.Pro508Leu (NM_001377290.1); c.1670C>T, p.Pro557Leu (NM_078485.4); c.2399C>T (NM_001851.4); short protein forms P557L, P567L, P800L, P508L.
Identifiers: ClinVar variation 1358212 (VCV001358212.7), dbSNP rs775466585, ClinGen allele CA3881777.

ClinVar aggregate classification (germline): Uncertain significance. Review status: criteria provided, multiple submitters, no conflicts (2 of 4 stars). 2 submissions from 2 submitters: Uncertain significance (2). Last evaluated 2025-08-12.

Conditions:
Inborn genetic diseases. Identifiers: MedGen C0950123, MeSH D030342.

Allele frequency attached by ClinVar (database versions not stated): TOPMed 0.00004.
gnomAD v4.1: 6 of 1,613,884 alleles (0.00037%); highest among the groups gnomAD compares: Admixed American, 0.0033%; no homozygotes.

Submissions (2):

Ambry Genetics
Classification: Uncertain significance for Inborn genetic diseases. Last evaluated: 2025-08-12. Review status: criteria provided, single submitter. Criteria: Ambry Variant Classification Scheme 2023. Collection method: clinical testing. Allele origin: germline.

Labcorp Genetics (formerly Invitae), Labcorp
Classification: Uncertain significance. Last evaluated: 2025-01-13. Review status: criteria provided, single submitter. Criteria: Invitae Variant Classification Sherloc (09022015). Collection method: clinical testing. Allele origin: germline.
Comment: This sequence change replaces proline, which is neutral and non-polar, with leucine, which is neutral and non-polar, at codon 800 of the COL9A1 protein (p.Pro800Leu). This variant is present in population databases (rs775466585, gnomAD 0.003%). This variant has not been reported in the literature in individuals affected with COL9A1-related conditions. ClinVar contains an entry for this variant (Variation ID: 1358212). Invitae Evidence Modeling of protein sequence and biophysical properties (such as structural, functional, and spatial information, amino acid conservation, physicochemical variation, residue mobility, and thermodynamic stability) indicates that this missense variant is not expected to disrupt COL9A1 protein function with a negative predictive value of 95%. In summary, the available evidence is currently insufficient to determine the role of this variant in disease. Therefore, it has been classified as a Variant of Uncertain Significance.